The following is an entry in ClinVar:

NM_001330588.2(TPP2):c.2719C>T (p.Pro907Ser)

Gene: TPP2 (tripeptidyl peptidase 2; plus strand). Cytogenetic location: 13q33.1.
Variant type: single nucleotide variant.
Coding change: c.2719C>T on transcript NM_001330588.2 (MANE Select); coding-DNA position 2719, C replaced by T.
Protein change: p.Pro907Ser; replaces proline 907 with serine.
Molecular consequence: missense variant. On other transcripts: non-coding transcript variant (1).
Genome position (GRCh38, 1-based): chr13:102,648,997, C>T. VCF-style: chr13-102648997-C-T. GRCh37 (hg19) VCF-style: chr13-103301347-C-T.
Other names: c.2719C>T, p.Pro907Ser (NM_001367947.1, NM_003291.4); short protein forms P907S.
Identifiers: ClinVar variation 1969697 (VCV001969697.5), dbSNP rs758726063, ClinGen allele CA7038075.
Genomic context (GRCh38, chr13:102,648,997, plus strand): 5'-ACAATTCGACTACAGATTCGCCATGAGCAAATCAGTGATTTGGAACGCCTTAAAGACCTT[C>T]CATTTATTGTTTCTCATAGATTGTCTAATACCTTGAGCTTAGATATTCATGAAAATCATA-3'
Protein context (NP_001317517.1, residues 897-917): ISDLERLKDL[Pro907Ser]FIVSHRLSNT

ClinVar aggregate classification (germline): Uncertain significance (1 of 4 stars; one submission).

Conditions:
Evans syndrome, immunodeficiency, and premature immunosenescence associated with tripeptidyl-peptidase II deficiency. Identifiers: MedGen CN231723. Disease mechanism: loss of function.

Allele frequency attached by ClinVar (database versions not stated): ExAC 0.00001.
gnomAD v4.1: 1 of 1,613,832 alleles (0.000062%); highest among the groups gnomAD compares: Non-Finnish European, 0.000085%; no homozygotes.

Submission:

Labcorp Genetics (formerly Invitae), Labcorp
Classification: Uncertain significance for Evans syndrome, immunodeficiency, and premature immunosenescence associated with tripeptidyl-peptidase II deficiency. Last evaluated: 2022-03-19. Review status: criteria provided, single submitter. Criteria: Invitae Variant Classification Sherloc (09022015). Collection method: clinical testing. Allele origin: germline.
Comment: This sequence change replaces proline, which is neutral and non-polar, with serine, which is neutral and polar, at codon 907 of the TPP2 protein (p.Pro907Ser). This variant is present in population databases (rs758726063, gnomAD 0.0009%). This variant has not been reported in the literature in individuals affected with TPP2-related conditions. Algorithms developed to predict the effect of missense changes on protein structure and function are either unavailable or do not agree on the potential impact of this missense change (SIFT: "Tolerated"; PolyPhen-2: "Possibly Damaging"; Align-GVGD: "Class C0"). In summary, the available evidence is currently insufficient to determine the role of this variant in disease. Therefore, it has been classified as a Variant of Uncertain Significance.